The following is an entry in ClinVar:

NM_001365536.1(SCN9A):c.5656C>T (p.Arg1886Trp)

Genes: SCN1A-AS1 (SCN1A and SCN9A antisense RNA 1; plus strand), SCN9A (sodium voltage-gated channel alpha subunit 9; minus strand). Cytogenetic location: 2q24.3.
Variant type: single nucleotide variant.
Coding change: c.5656C>T on transcript NM_001365536.1 (MANE Select); coding-DNA position 5656, C replaced by T.
Protein change: p.Arg1886Trp; replaces arginine 1886 with tryptophan.
Molecular consequence: missense variant.
Genome position (GRCh38, 1-based): chr2:166,198,983, G>A on the plus strand (C>T on the coding strand, the complement: SCN9A is on the minus strand). VCF-style: chr2-166198983-G-A. GRCh37 (hg19) VCF-style: chr2-167055493-G-A.
Other names: c.5623C>T, p.Arg1875Trp (NM_002977.4); short protein forms R1875W, R1886W.
Identifiers: ClinVar variation 1445807 (VCV001445807.8), dbSNP rs560168893, ClinGen allele CA1943643.

ClinVar aggregate classification (germline): Uncertain significance (1 of 4 stars; one submission).

Conditions:
Generalized epilepsy with febrile seizures plus, type 7 (GEFSP7). Also called: GEFS+, TYPE 7. Identifiers: Orphanet 36387, MedGen C2751778, MONDO:0013470, OMIM 613863.
Neuropathy, hereditary sensory and autonomic, type 2A (HSAN2A). Also called: HSAN IIA; WNK1-Related HSAN2 (HSAN2A); MORVAN DISEASE; NEUROPATHY, CONGENITAL SENSORY; NEUROPATHY, HEREDITARY SENSORY RADICULAR, AUTOSOMAL RECESSIVE; NEUROPATHY, HEREDITARY SENSORY, TYPE IIA. Identifiers: Orphanet 970, MedGen C2752089, MONDO:0024309, OMIM 201300.

Allele frequency attached by ClinVar (database versions not stated): ExAC 0.00001; gnomAD 0.00001; gnomAD exomes 0.00001; 1000 Genomes Project 30x 0.00016; 1000 Genomes Project 0.00020.
gnomAD v4.1: 10 of 1,613,958 alleles (0.00062%); highest among the groups gnomAD compares: East Asian, 0.0067%; no homozygotes.

Submission:

Labcorp Genetics (formerly Invitae), Labcorp
Classification: Uncertain significance for Neuropathy, hereditary sensory and autonomic, type 2A; Generalized epilepsy with febrile seizures plus, type 7. Last evaluated: 2025-05-20. Review status: criteria provided, single submitter. Criteria: Invitae Variant Classification Sherloc (09022015). Collection method: clinical testing. Allele origin: germline.
Comment: This sequence change replaces arginine, which is basic and polar, with tryptophan, which is neutral and slightly polar, at codon 1875 of the SCN9A protein (p.Arg1875Trp). This variant is present in population databases (rs560168893, gnomAD 0.006%). This variant has not been reported in the literature in individuals affected with SCN9A-related conditions. ClinVar contains an entry for this variant (Variation ID: 1445807). Invitae Evidence Modeling of protein sequence and biophysical properties (such as structural, functional, and spatial information, amino acid conservation, physicochemical variation, residue mobility, and thermodynamic stability) indicates that this missense variant is not expected to disrupt SCN9A protein function with a negative predictive value of 95%. In summary, the available evidence is currently insufficient to determine the role of this variant in disease. Therefore, it has been classified as a Variant of Uncertain Significance.